The following is an entry in ClinVar:

NM_000540.3(RYR1):c.2135C>A (p.Ser712Tyr)

Gene: RYR1 (ryanodine receptor 1; plus strand). Cytogenetic location: 19q13.2.
Variant type: single nucleotide variant.
Coding change: c.2135C>A on transcript NM_000540.3 (MANE Select); coding-DNA position 2135, C replaced by A.
Protein change: p.Ser712Tyr; replaces serine 712 with tyrosine.
Molecular consequence: missense variant.
Genome position (GRCh38, 1-based): chr19:38,458,260, C>A. VCF-style: chr19-38458260-C-A. GRCh37 (hg19) VCF-style: chr19-38948900-C-A.
Other names: c.2135C>A, p.Ser712Tyr (NM_001042723.2); short protein forms S712Y.
Identifiers: ClinVar variation 478209 (VCV000478209.9), dbSNP rs1555769917, ClinGen allele CA405697749.

ClinVar aggregate classification (germline): Uncertain significance (1 of 4 stars; one submission).

Conditions:
RYR1-related disorder. Also called: RYR1-related condition; RYR1-related disorders. Identifiers: MedGen CN239331.

Allele frequency attached by ClinVar (database versions not stated): gnomAD exomes 0.00001.
gnomAD v4.1: 5 of 1,614,084 alleles (0.00031%); highest among the groups gnomAD compares: Non-Finnish European, 0.00042%; no homozygotes.

Submission:

Labcorp Genetics (formerly Invitae), Labcorp
Classification: Uncertain significance for RYR1-related disorder. Last evaluated: 2016-08-01. Review status: criteria provided, single submitter. Criteria: Invitae Variant Classification Sherloc (09022015). Collection method: clinical testing. Allele origin: germline.
Comment: Substitutions of nearby amino acids (p.Asp708Asn, p.Gly707Ser) have been reported in patients with recessive RYR1 myopathy (PMID 23919265, 21911697). In summary, this variant is a novel missense change with uncertain impact on protein function. It has been classified as a Variant of Uncertain Significance. Algorithms developed to predict the effect of missense changes on protein structure and function do not agree on the potential impact of this missense change (SIFT: "Deleterious"; PolyPhen-2: "Probably Damaging"; Align-GVGD: "Class C0"). This variant is not present in population databases (ExAC no frequency) and has not been reported in the literature in individuals with a RYR1-related disease. This sequence change replaces serine with tyrosine at codon 712 of the RYR1 protein (p.Ser712Tyr). The serine residue is highly conserved and there is a large physicochemical difference between serine and tyrosine.